The following is an entry in ClinVar:

NM_000536.4(RAG2):c.1544C>A (p.Thr515Asn)

Gene: RAG2 (recombination activating 2; minus strand). Cytogenetic location: 11p12.
Variant type: single nucleotide variant.
Coding change: c.1544C>A on transcript NM_000536.4 (MANE Select); coding-DNA position 1544, C replaced by A.
Protein change: p.Thr515Asn; replaces threonine 515 with asparagine.
Molecular consequence: missense variant.
Genome position (GRCh38, 1-based): chr11:36,592,625, G>T on the plus strand (C>A on the coding strand, the complement: RAG2 is on the minus strand). VCF-style: chr11-36592625-G-T. GRCh37 (hg19) VCF-style: chr11-36614175-G-T.
Other names: c.1544C>A (NM_000536.3); c.1544C>A, p.Thr515Asn (NM_001243785.2, NM_001243786.2); short protein forms T515N.
Identifiers: ClinVar variation 1517138 (VCV001517138.9), dbSNP rs1017593785, ClinGen allele CA220578769.

ClinVar aggregate classification (germline): Uncertain significance. Review status: criteria provided, multiple submitters, no conflicts (2 of 4 stars). 2 submissions from 2 submitters: Uncertain significance (2). Last evaluated 2023-11-03.

Conditions:
Inborn genetic diseases. Identifiers: MedGen C0950123, MeSH D030342.
Combined immunodeficiency with skin granulomas. Identifiers: Orphanet 157949, MedGen C2673536, MONDO:0009306, OMIM 233650.
Severe combined immunodeficiency, autosomal recessive, T cell-negative, B cell-negative, NK cell-positive. Also called: SCID, AR, T-cell negative, B-cell negative, NK cell-positive; SCID, T CELL-NEGATIVE, B CELL-NEGATIVE, NK CELL-POSITIVE; Severe combined immunodeficiency due to complete RAG1/2 deficiency. Identifiers: Orphanet 331206, MedGen C1832322, MONDO:0011086, OMIM 601457.

Allele frequency attached by ClinVar (database versions not stated): gnomAD 0.00001; TOPMed 0.00002.
gnomAD v4.1: 1 of 1,614,060 alleles (0.000062%); highest among the groups gnomAD compares: Admixed American, 0.0017%; no homozygotes.

Submissions (2):

Ambry Genetics
Classification: Uncertain significance for Inborn genetic diseases. Last evaluated: 2023-11-03. Review status: criteria provided, single submitter. Criteria: Ambry Variant Classification Scheme 2023. Collection method: clinical testing. Allele origin: germline.

Labcorp Genetics (formerly Invitae), Labcorp
Classification: Uncertain significance for Combined immunodeficiency with skin granulomas; Severe combined immunodeficiency, autosomal recessive, T cell-negative, B cell-negative, NK cell-positive. Last evaluated: 2021-07-03. Review status: criteria provided, single submitter. Criteria: Invitae Variant Classification Sherloc (09022015). Collection method: clinical testing. Allele origin: germline.
Comment: In summary, the available evidence is currently insufficient to determine the role of this variant in disease. Therefore, it has been classified as a Variant of Uncertain Significance. Advanced modeling of protein sequence and biophysical properties (such as structural, functional, and spatial information, amino acid conservation, physicochemical variation, residue mobility, and thermodynamic stability) performed at Invitae indicates that this missense variant is expected to disrupt RAG2 protein function. This variant has not been reported in the literature in individuals affected with RAG2-related conditions. This variant is not present in population databases (ExAC no frequency). This sequence change replaces threonine with asparagine at codon 515 of the RAG2 protein (p.Thr515Asn). The threonine residue is highly conserved and there is a small physicochemical difference between threonine and asparagine.